The following is an entry in ClinVar:

NM_001278512.2(AP3B2):c.865G>A (p.Ala289Thr)

Genes: AP3B2 (adaptor related protein complex 3 subunit beta 2; minus strand), CPEB1-AS1 (CPEB1 antisense RNA 1; plus strand). Cytogenetic location: 15q25.2.
Variant type: single nucleotide variant.
Coding change: c.865G>A on transcript NM_001278512.2 (MANE Select); coding-DNA position 865, G replaced by A.
Protein change: p.Ala289Thr; replaces alanine 289 with threonine.
Molecular consequence: missense variant.
Genome position (GRCh38, 1-based): chr15:82,680,662, C>T on the plus strand (G>A on the coding strand, the complement: AP3B2 is on the minus strand). VCF-style: chr15-82680662-C-T. GRCh37 (hg19) VCF-style: chr15-83349414-C-T.
Other names: c.769G>A, p.Ala257Thr (NM_001278511.2); c.865G>A, p.Ala289Thr (NM_004644.5); short protein forms A257T, A289T.
Identifiers: ClinVar variation 1382010 (VCV001382010.5), dbSNP rs745844293, ClinGen allele CA7700379.

ClinVar aggregate classification (germline): Uncertain significance (1 of 4 stars; one submission).

Allele frequency attached by ClinVar (database versions not stated): ExAC 0.00001; gnomAD exomes 0.00001 and 0.00003; TOPMed 0.00010; gnomAD 0.00011.
gnomAD v4.1: 53 of 1,580,006 alleles (0.0034%); highest among the groups gnomAD compares: East Asian, 0.045%; no homozygotes.

Submission:

Labcorp Genetics (formerly Invitae), Labcorp
Classification: Uncertain significance. Last evaluated: 2022-04-29. Review status: criteria provided, single submitter. Criteria: Invitae Variant Classification Sherloc (09022015). Collection method: clinical testing. Allele origin: germline.
Comment: This sequence change replaces alanine, which is neutral and non-polar, with threonine, which is neutral and polar, at codon 289 of the AP3B2 protein (p.Ala289Thr). The frequency data for this variant in the population databases is considered unreliable, as metrics indicate poor data quality at this position in the gnomAD database. This variant has not been reported in the literature in individuals affected with AP3B2-related conditions. Algorithms developed to predict the effect of missense changes on protein structure and function output the following: SIFT: "Tolerated"; PolyPhen-2: "Benign"; Align-GVGD: "Class C0". The threonine amino acid residue is found in multiple mammalian species, which suggests that this missense change does not adversely affect protein function. In summary, the available evidence is currently insufficient to determine the role of this variant in disease. Therefore, it has been classified as a Variant of Uncertain Significance.